The following is an entry in ClinVar:

ClinVar aggregate classification (germline): Uncertain significance (1 of 4 stars; one submission).

Conditions:
Congenital muscular dystrophy due to integrin alpha-7 deficiency. Also called: Congenital muscular dystrophy with integrin alpha-7 deficiency; Muscular dystrophy, congenital, due to ITGA7 deficiency; MYOPATHY, CONGENITAL, DUE TO INTEGRIN ALPHA-7 DEFICIENCY. Identifiers: Orphanet 34520, MedGen C2750786, MONDO:0013177, OMIM 613204.

Allele frequency attached by ClinVar (database versions not stated): gnomAD exomes 0.00003 and 0.00013; gnomAD 0.00005 and 0.00007; ExAC 0.00012; TOPMed 0.00015; 1000 Genomes Project 30x 0.00016; 1000 Genomes Project 0.00020.
gnomAD v4.1: 65 of 1,609,056 alleles (0.004%); highest among the groups gnomAD compares: East Asian, 0.11%; 1 homozygote.

Submissions (2):

Labcorp Genetics (formerly Invitae), Labcorp
Classification: Uncertain significance for Congenital muscular dystrophy due to integrin alpha-7 deficiency. Last evaluated: 2022-07-05. Review status: criteria provided, single submitter. Criteria: Invitae Variant Classification Sherloc (09022015). Collection method: clinical testing. Allele origin: germline.
Comment: This sequence change falls in intron 22 of the ITGA7 gene. It does not directly change the encoded amino acid sequence of the ITGA7 protein. It affects a nucleotide within the consensus splice site. This variant is present in population databases (rs191213131, gnomAD 0.2%). This variant has not been reported in the literature in individuals affected with ITGA7-related conditions. ClinVar contains an entry for this variant (Variation ID: 664547). Variants that disrupt the consensus splice site are a relatively common cause of aberrant splicing (PMID: 17576681, 9536098). Algorithms developed to predict the effect of sequence changes on RNA splicing suggest that this variant is not likely to affect RNA splicing. In summary, the available evidence is currently insufficient to determine the role of this variant in disease. Therefore, it has been classified as a Variant of Uncertain Significance.

Dr. Peter K. Rogan Lab, Western University
No classification provided (evidence only). Condition: Gastric cancer. Review status: no classification provided. Collection method: in vitro. Allele origin: not applicable. Functional consequence: retained intron. Not counted in ClinVar's aggregate classification.

Literature cited by the submitters: PubMed 17576681 (cited by Labcorp Genetics (formerly Invitae), Labcorp); PubMed 9536098 (cited by Labcorp Genetics (formerly Invitae), Labcorp).

NM_002206.3(ITGA7):c.2958+5G>C

Gene: ITGA7 (integrin subunit alpha 7; minus strand). Cytogenetic location: 12q13.2.
Variant type: single nucleotide variant.
Coding change: c.2958+5G>C on transcript NM_002206.3 (MANE Select); 5 bases into the intron after coding-DNA position 2958, G replaced by C.
Molecular consequence: intron variant.
Genome position (GRCh38, 1-based): chr12:55,688,839, C>G on the plus strand (G>C on the coding strand, the complement: ITGA7 is on the minus strand). VCF-style: chr12-55688839-C-G. GRCh37 (hg19) VCF-style: chr12-56082623-C-G.
Other names: c.2679+5G>C (NM_001144997.2); c.2631+5G>C (NM_001367993.1); c.2619+5G>C (NM_001414035.1); c.2775+5G>C (NM_001414033.1); c.1614+5G>C (NM_001367994.1); c.2838+5G>C (NM_001414032.1); c.2871+5G>C (NM_001414031.1); c.2940+5G>C (NM_001374465.1); and 5 more.
Identifiers: ClinVar variation 664547 (VCV000664547.9), dbSNP rs191213131, ClinGen allele CA6615403.